The following is an entry in ClinVar:

ClinVar aggregate classification (germline): Likely benign (1 of 4 stars; one submission).

Conditions:
Familial cancer of breast. Also called: Hereditary breast cancer; hereditary breast carcinoma; BREAST CANCER, FAMILIAL. Identifiers: Orphanet 227535, MedGen C0346153, MONDO:0016419, OMIM 114480. Disease mechanism: loss of function.

Submission:

Myriad Genetics, Inc.
Classification: Likely benign for Familial cancer of breast. Last evaluated: 2025-01-17. Review status: criteria provided, single submitter. Criteria: Myriad Autosomal Dominant, Autosomal Recessive and X-Linked Classification Criteria (2023). Collection method: clinical testing. Allele origin: unknown.
Comment: This variant is considered likely benign. This variant is intronic and is not expected to impact mRNA splicing.

NM_024675.4(PALB2):c.2834+9T>C

Gene: PALB2 (partner and localizer of BRCA2; minus strand). Cytogenetic location: 16p12.2.
Variant type: single nucleotide variant.
Coding change: c.2834+9T>C on transcript NM_024675.4 (MANE Select); 9 bases into the intron after coding-DNA position 2834, T replaced by C.
Molecular consequence: intron variant.
Genome position (GRCh38, 1-based): chr16:23,624,000, A>G on the plus strand (T>C on the coding strand, the complement: PALB2 is on the minus strand). VCF-style: chr16-23624000-A-G. GRCh37 (hg19) VCF-style: chr16-23635321-A-G.
Other names: c.1949+9T>C (NM_001407308.1, NM_001407306.1, NM_001407309.1 and 4 more transcripts); c.368+9T>C (NM_001407314.1); c.1046+9T>C (NM_001407313.1, NM_001407312.1); c.2774+9T>C (NM_001407296.1); c.2762+9T>C (NM_001407297.1); c.2672+9T>C (NM_001407302.1, NM_001407298.1); c.2834+9T>C (NM_001407300.1, NM_001407299.1, NM_001407301.1); c.1787+9T>C (NM_001407307.1).
Identifiers: ClinVar variation 3903871 (VCV003903871.1).